The following is an entry in ClinVar:

ClinVar aggregate classification (germline): Uncertain significance (1 of 4 stars; one submission).

Allele frequency attached by ClinVar (database versions not stated): gnomAD exomes 0.00001.
gnomAD v4.1: 10 of 1,598,212 alleles (0.00063%); highest among the groups gnomAD compares: East Asian, 0.0022%; no homozygotes.

Submission:

GeneDx
Classification: Uncertain significance. Last evaluated: 2022-08-22. Review status: criteria provided, single submitter. Criteria: GeneDx Variant Classification Process June 2021. Collection method: clinical testing. Allele origin: germline. Affected: yes.
Comment: In silico analysis supports that this missense variant has a deleterious effect on protein structure/function; Has not been previously published as pathogenic or benign to our knowledge

NM_006793.5(PRDX3):c.299A>G (p.Tyr100Cys)

Gene: PRDX3 (peroxiredoxin 3; minus strand). Cytogenetic location: 10q26.11.
Variant type: single nucleotide variant.
Coding change: c.299A>G on transcript NM_006793.5 (MANE Select); coding-DNA position 299, A replaced by G.
Protein change: p.Tyr100Cys; replaces tyrosine 100 with cysteine.
Molecular consequence: missense variant. On other transcripts: non-coding transcript variant (1).
Genome position (GRCh38, 1-based): chr10:119,174,463, T>C on the plus strand (A>G on the coding strand, the complement: PRDX3 is on the minus strand). VCF-style: chr10-119174463-T-C. GRCh37 (hg19) VCF-style: chr10-120933975-T-C.
Other names: c.299A>G, p.Tyr100Cys (NM_001302272.2); short protein forms Y100C.
Identifiers: ClinVar variation 2430405 (VCV002430405.1), dbSNP rs1315679667, ClinGen allele CA378288083.